The following is an entry in ClinVar:

ClinVar aggregate classification (germline): Conflicting classifications of pathogenicity. Review status: criteria provided, conflicting classifications (1 of 4 stars). 6 submissions from 6 submitters: Uncertain significance (5); Likely benign (1). Last evaluated 2026-02-02.

Conditions:
Cardiovascular phenotype. Identifiers: MedGen CN230736.
Myofibrillar myopathy 5. Also called: FILAMINOPATHY, AUTOSOMAL DOMINANT; Filaminopathy (type). Identifiers: Orphanet 171445, MedGen C1836050, MONDO:0012289, OMIM 609524.
Distal myopathy with posterior leg and anterior hand involvement. Also called: WILLIAMS DISTAL MYOPATHY. Identifiers: Orphanet 63273, MedGen C3279722, MONDO:0013550, OMIM 614065.
Hypertrophic cardiomyopathy 26. Also called: Cardiomyopathy, familial hypertrophic, 26. Identifiers: Orphanet 75249, MedGen C4310749, MONDO:0014883, OMIM 617047.

Allele frequency attached by ClinVar (database versions not stated): gnomAD 0.00002 and 0.00003; gnomAD exomes 0.00002 and 0.00006; ExAC 0.00003; TOPMed 0.00004; 1000 Genomes Project 30x 0.00016; 1000 Genomes Project 0.00020.
gnomAD v4.1: 91 of 1,613,944 alleles (0.0056%); highest among the groups gnomAD compares: Admixed American, 0.01%; no homozygotes.

Submissions (6):

Labcorp Genetics (formerly Invitae), Labcorp
Classification: Uncertain significance for Distal myopathy with posterior leg and anterior hand involvement; Myofibrillar myopathy 5; Hypertrophic cardiomyopathy 26. Last evaluated: 2026-02-02. Review status: criteria provided, single submitter. Criteria: Invitae Variant Classification Sherloc (09022015). Collection method: clinical testing. Allele origin: germline.
Comment: This sequence change replaces alanine, which is neutral and non-polar, with valine, which is neutral and non-polar, at codon 1021 of the FLNC protein (p.Ala1021Val). This variant is present in population databases (rs574118437, gnomAD 0.004%). This variant has not been reported in the literature in individuals affected with FLNC-related conditions. ClinVar contains an entry for this variant (Variation ID: 472028). Invitae Evidence Modeling of protein sequence and biophysical properties (such as structural, functional, and spatial information, amino acid conservation, physicochemical variation, residue mobility, and thermodynamic stability) has been performed for this missense variant. However, the output from this modeling did not meet the statistical confidence thresholds required to predict the impact of this variant on FLNC protein function. In summary, the available evidence is currently insufficient to determine the role of this variant in disease. Therefore, it has been classified as a Variant of Uncertain Significance.

Ambry Genetics
Classification: Uncertain significance for Cardiovascular phenotype. Last evaluated: 2024-08-26. Review status: criteria provided, single submitter. Criteria: Ambry Variant Classification Scheme 2023. Collection method: clinical testing. Allele origin: germline.
Comment: The p.A1021V variant (also known as c.3062C>T), located in coding exon 20 of the FLNC gene, results from a C to T substitution at nucleotide position 3062. The alanine at codon 1021 is replaced by valine, an amino acid with similar properties. This amino acid position is not well conserved in available vertebrate species. In addition, this alteration is predicted to be tolerated by in silico analysis. Since supporting evidence is limited at this time, the clinical significance of this alteration remains unclear.

Fulgent Genetics
Classification: Uncertain significance for Myofibrillar myopathy 5; Distal myopathy with posterior leg and anterior hand involvement; Hypertrophic cardiomyopathy 26. Last evaluated: 2024-05-01. Review status: criteria provided, single submitter. Criteria: ACMG Guidelines, 2015. Collection method: clinical testing. Allele origin: germline.

Blueprint Genetics
Classification: Likely benign. Last evaluated: 2024-04-15. Review status: criteria provided, single submitter. Criteria: ACMG Guidelines, 2015. Collection method: clinical testing. Allele origin: germline.

Women's Health and Genetics/Laboratory Corporation of America, LabCorp
Classification: Uncertain significance. Last evaluated: 2024-03-30. Review status: criteria provided, single submitter. Criteria: LabCorp Variant Classification Summary - May 2015. Collection method: clinical testing. Allele origin: germline.

GeneDx
Classification: Uncertain significance. Last evaluated: 2023-03-09. Review status: criteria provided, single submitter. Criteria: GeneDx Variant Classification Process June 2021. Collection method: clinical testing. Allele origin: germline. Affected: yes.
Comment: In silico analysis supports that this missense variant does not alter protein structure/function; Has not been previously published as pathogenic or benign to our knowledge

NM_001458.5(FLNC):c.3062C>T (p.Ala1021Val)

Gene: FLNC (filamin C; plus strand). Cytogenetic location: 7q32.1.
Variant type: single nucleotide variant.
Coding change: c.3062C>T on transcript NM_001458.5 (MANE Select); coding-DNA position 3062, C replaced by T.
Protein change: p.Ala1021Val; replaces alanine 1021 with valine.
Molecular consequence: missense variant.
Genome position (GRCh38, 1-based): chr7:128,844,136, C>T. VCF-style: chr7-128844136-C-T. GRCh37 (hg19) VCF-style: chr7-128484190-C-T.
Other names: c.3062C>T, p.Ala1021Val (NM_001127487.2); short protein forms A1021V.
Identifiers: ClinVar variation 472028 (VCV000472028.17), dbSNP rs574118437, ClinGen allele CA4474945.
Genomic context (GRCh38, chr7:128,844,136, plus strand): 5'-TGCGGATGACTTCGCCCTCTCGCCGGCCCATCCCCTGCAAGCTGGAGCCAGGCGGTGGAG[C>T]GGAAGCCCAGGCTGTGCGCTACATGCCCCCGGAGGAGGGGCCCTACAAGGTGGATATCAC-3'
Protein context (NP_001449.3, residues 1011-1031): IPCKLEPGGG[Ala1021Val]EAQAVRYMPP